The following is an entry in ClinVar:

ClinVar aggregate classification (germline): Uncertain significance (1 of 4 stars; one submission).

Conditions:
Duchenne muscular dystrophy (DMD). Also called: Duchenne Muscular Dystrophy (DMD); MUSCULAR DYSTROPHY, PSEUDOHYPERTROPHIC PROGRESSIVE, DUCHENNE TYPE. Identifiers: Orphanet 98896, MedGen C0013264, MONDO:0010679, OMIM 310200.

Allele frequency attached by ClinVar (database versions not stated): gnomAD exomes below 0.00001; gnomAD 0.00001.
gnomAD v4.1: 2 of 1,187,339 alleles (0.00017%); highest among the groups gnomAD compares: Middle Eastern, 0.023%; no homozygotes.

Submission:

Labcorp Genetics (formerly Invitae), Labcorp
Classification: Uncertain significance for Duchenne muscular dystrophy. Last evaluated: 2025-11-15. Review status: criteria provided, single submitter. Criteria: Invitae Variant Classification Sherloc (09022015). Collection method: clinical testing. Allele origin: germline.
Comment: This sequence change replaces glutamine, which is neutral and polar, with arginine, which is basic and polar, at codon 1414 of the DMD protein (p.Gln1414Arg). This variant is not present in population databases (gnomAD no frequency). This variant has not been reported in the literature in individuals affected with DMD-related conditions. ClinVar contains an entry for this variant (Variation ID: 1510449). Invitae Evidence Modeling of protein sequence and biophysical properties (such as structural, functional, and spatial information, amino acid conservation, physicochemical variation, residue mobility, and thermodynamic stability) indicates that this missense variant is not expected to disrupt DMD protein function with a negative predictive value of 95%. In summary, the available evidence is currently insufficient to determine the role of this variant in disease. Therefore, it has been classified as a Variant of Uncertain Significance.

NM_004006.3(DMD):c.4241A>G (p.Gln1414Arg)

Gene: DMD (dystrophin; minus strand). Cytogenetic location: Xp21.1.
Variant type: single nucleotide variant.
Coding change: c.4241A>G on transcript NM_004006.3 (MANE Select); coding-DNA position 4241, A replaced by G.
Protein change: p.Gln1414Arg; replaces glutamine 1414 with arginine.
Molecular consequence: missense variant.
Genome position (GRCh38, 1-based): chrX:32,390,174, T>C on the plus strand (A>G on the coding strand, the complement: DMD is on the minus strand). VCF-style: chrX-32390174-T-C. GRCh37 (hg19) VCF-style: chrX-32408291-T-C.
Other names: c.4217A>G, p.Gln1406Arg (NM_000109.4); c.4229A>G, p.Gln1410Arg (NM_004009.3); c.3872A>G, p.Gln1291Arg (NM_004010.3); c.218A>G, p.Gln73Arg (NM_004011.4); c.209A>G, p.Gln70Arg (NM_004012.4); short protein forms Q1291R, Q70R, Q73R, Q1406R, Q1414R, Q1410R.
Identifiers: ClinVar variation 1510449 (VCV001510449.6), dbSNP rs562517517, ClinGen allele CA327987308.